The following is an entry in ClinVar:

NM_007373.4(SHOC2):c.334A>G (p.Ile112Val)

Gene: SHOC2 (SHOC2 leucine rich repeat scaffold protein; plus strand). Cytogenetic location: 10q25.2.
Variant type: single nucleotide variant.
Coding change: c.334A>G on transcript NM_007373.4 (MANE Select); coding-DNA position 334, A replaced by G.
Protein change: p.Ile112Val; replaces isoleucine 112 with valine.
Molecular consequence: missense variant.
Genome position (GRCh38, 1-based): chr10:110,964,692, A>G. VCF-style: chr10-110964692-A-G. GRCh37 (hg19) VCF-style: chr10-112724450-A-G.
Other names: c.334A>G, p.Ile112Val (NM_001269039.3, NM_001324336.2, NM_001324337.2); short protein forms I112V.
Identifiers: ClinVar variation 950431 (VCV000950431.11), dbSNP rs1418386730, ClinGen allele CA378384258.

ClinVar aggregate classification (germline): Uncertain significance. Review status: criteria provided, multiple submitters, no conflicts (2 of 4 stars). 2 submissions from 2 submitters: Uncertain significance (2). Last evaluated 2025-06-22.

Conditions:
Cardiovascular phenotype. Identifiers: MedGen CN230736.
RASopathy. Also called: rasopathies; Noonan spectrum disorder. Identifiers: Orphanet 536391, MedGen C5555857, MONDO:0021060.

gnomAD v4.1: 3 of 1,614,162 alleles (0.00019%); highest among the groups gnomAD compares: Non-Finnish European, 0.00025%; no homozygotes.

Submissions (2):

Labcorp Genetics (formerly Invitae), Labcorp
Classification: Uncertain significance for RASopathy. Last evaluated: 2025-06-22. Review status: criteria provided, single submitter. Criteria: Invitae Variant Classification Sherloc (09022015). Collection method: clinical testing. Allele origin: germline.
Comment: This sequence change replaces isoleucine, which is neutral and non-polar, with valine, which is neutral and non-polar, at codon 112 of the SHOC2 protein (p.Ile112Val). This variant is not present in population databases (gnomAD no frequency). This variant has not been reported in the literature in individuals affected with SHOC2-related conditions. ClinVar contains an entry for this variant (Variation ID: 950431). Invitae Evidence Modeling of protein sequence and biophysical properties (such as structural, functional, and spatial information, amino acid conservation, physicochemical variation, residue mobility, and thermodynamic stability) indicates that this missense variant is not expected to disrupt SHOC2 protein function with a negative predictive value of 80%. In summary, the available evidence is currently insufficient to determine the role of this variant in disease. Therefore, it has been classified as a Variant of Uncertain Significance.

Ambry Genetics
Classification: Uncertain significance for Cardiovascular phenotype. Last evaluated: 2024-09-17. Review status: criteria provided, single submitter. Criteria: Ambry Variant Classification Scheme 2023. Collection method: clinical testing. Allele origin: germline.
Comment: The p.I112V variant (also known as c.334A>G), located in coding exon 1 of the SHOC2 gene, results from an A to G substitution at nucleotide position 334. The isoleucine at codon 112 is replaced by valine, an amino acid with highly similar properties. This amino acid position is conserved. In addition, this alteration is predicted to be tolerated by in silico analysis. Based on the available evidence, the clinical significance of this variant remains unclear.